The following is an entry in ClinVar:

ClinVar aggregate classification (germline): Uncertain significance. Review status: criteria provided, multiple submitters, no conflicts (2 of 4 stars). 2 submissions from 2 submitters: Uncertain significance (2). Last evaluated 2025-05-19.

Conditions:
Hereditary cancer-predisposing syndrome. Also called: Tumor predisposition; Hereditary Cancer Syndrome; Hereditary neoplastic syndrome; Neoplastic Syndromes, Hereditary. Identifiers: Orphanet 140162, MedGen C0027672, MeSH D009386, MONDO:0015356.
POLD1-related polyposis and colorectal cancer syndrome (CRCS10). Also called: Colorectal cancer 10; COLORECTAL CANCER, SUSCEPTIBILITY TO, ON CHROMOSOME 19q; Colorectal cancer, susceptibility to, 10. Identifiers: Orphanet 220460, MedGen C2675481, MONDO:0012953, OMIM 612591.

Submissions (2):

Labcorp Genetics (formerly Invitae), Labcorp
Classification: Uncertain significance for POLD1-related polyposis and colorectal cancer syndrome. Last evaluated: 2025-05-19. Review status: criteria provided, single submitter. Criteria: Invitae Variant Classification Sherloc (09022015). Collection method: clinical testing. Allele origin: germline.
Comment: This sequence change replaces valine, which is neutral and non-polar, with leucine, which is neutral and non-polar, at codon 187 of the POLD1 protein (p.Val187Leu). This variant is present in population databases (rs775620863, gnomAD 0.0009%). This variant has not been reported in the literature in individuals affected with POLD1-related conditions. ClinVar contains an entry for this variant (Variation ID: 1026487). Invitae Evidence Modeling of protein sequence and biophysical properties (such as structural, functional, and spatial information, amino acid conservation, physicochemical variation, residue mobility, and thermodynamic stability) indicates that this missense variant is not expected to disrupt POLD1 protein function with a negative predictive value of 80%. In summary, the available evidence is currently insufficient to determine the role of this variant in disease. Therefore, it has been classified as a Variant of Uncertain Significance.

Ambry Genetics
Classification: Uncertain significance for Hereditary cancer-predisposing syndrome. Last evaluated: 2024-04-24. Review status: criteria provided, single submitter. Criteria: Ambry Variant Classification Scheme 2023. Collection method: clinical testing. Allele origin: germline.
Comment: The p.V187L variant (also known as c.559G>C), located in coding exon 4 of the POLD1 gene, results from a G to C substitution at nucleotide position 559. The valine at codon 187 is replaced by leucine, an amino acid with highly similar properties. This amino acid position is conserved. In addition, this alteration is predicted to be tolerated by in silico analysis. Since supporting evidence is limited at this time, the clinical significance of this alteration remains unclear.

NM_002691.4(POLD1):c.559G>C (p.Val187Leu)

Gene: POLD1 (DNA polymerase delta 1, catalytic subunit; plus strand). Cytogenetic location: 19q13.33.
Variant type: single nucleotide variant.
Coding change: c.559G>C on transcript NM_002691.4 (MANE Select); coding-DNA position 559, G replaced by C.
Protein change: p.Val187Leu; replaces valine 187 with leucine.
Molecular consequence: missense variant. On other transcripts: non-coding transcript variant (1).
Genome position (GRCh38, 1-based): chr19:50,402,094, G>C. VCF-style: chr19-50402094-G-C. GRCh37 (hg19) VCF-style: chr19-50905351-G-C.
Other names: c.559G>C, p.Val187Leu (NM_001256849.1, NM_001308632.1); short protein forms V187L.
Identifiers: ClinVar variation 1026487 (VCV001026487.12), dbSNP rs775620863, ClinGen allele CA9595793.